The following is an entry in ClinVar:

ClinVar aggregate classification (germline): Likely benign (1 of 4 stars; one submission).

Conditions:
Arrhythmogenic right ventricular cardiomyopathy (ARVD). Also called: Arrhythmogenic right ventricular dysplasia; Cardiomyopathy, ARVC; Arrhythmogenic cardiomyopathy; Arrhythmogenic Right Ventricular Cardiomyopathy (ARVC). Identifiers: Orphanet 247, MedGen C0349788, MeSH D019571, MONDO:0016587. Disease mechanism: loss of function. Inheritance: Various modes of inheritance.

Submission:

All of Us Research Program, National Institutes of Health
Classification: Likely benign for Arrhythmogenic right ventricular cardiomyopathy. Last evaluated: 2023-02-15. Review status: criteria provided, single submitter. Criteria: ACMG Guidelines, 2015. Collection method: clinical testing. Allele origin: germline. Inheritance: Autosomal dominant inheritance. Observed: 1 variant allele, 1 heterozygote.
Comment: This study involves interpretation of variants in research participants for the purpose of population health screening. Participant phenotype was not available at the time of variant classification. Additional details can be found in publication PMID: 35346344, PMCID: PMC8962531

NM_001005242.3(PKP2):c.1056T>C (p.Thr352=)

Gene: PKP2 (plakophilin 2; minus strand). Cytogenetic location: 12p11.21.
Variant type: single nucleotide variant.
Coding change: c.1056T>C on transcript NM_001005242.3 (MANE Select); coding-DNA position 1056, T replaced by C.
Protein change: p.Thr352=; no amino-acid change (threonine 352 retained).
Molecular consequence: synonymous variant.
Genome position (GRCh38, 1-based): chr12:32,869,041, A>G on the plus strand (T>C on the coding strand, the complement: PKP2 is on the minus strand). VCF-style: chr12-32869041-A-G. GRCh37 (hg19) VCF-style: chr12-33021975-A-G.
Other names: c.1056T>C, p.Thr352= (NM_001407155.1, NM_001407156.1, NM_001407157.1 and 2 more transcripts); c.729T>C, p.Thr243= (NM_001407158.1, NM_001407159.1, NM_001407160.1 and 1 more transcripts).
Identifiers: ClinVar variation 3069382 (VCV003069382.1), dbSNP rs2541322605, ClinGen allele CA479174617.